The following is an entry in ClinVar:

NM_004612.4(TGFBR1):c.720T>C (p.Arg240=)

Gene: TGFBR1 (transforming growth factor beta receptor 1; plus strand). Cytogenetic location: 9q22.33.
Variant type: single nucleotide variant.
Coding change: c.720T>C on transcript NM_004612.4 (MANE Select); coding-DNA position 720, T replaced by C.
Protein change: p.Arg240=; no amino-acid change (arginine 240 retained).
Molecular consequence: synonymous variant.
Genome position (GRCh38, 1-based): chr9:99,138,004, T>C. VCF-style: chr9-99138004-T-C. GRCh37 (hg19) VCF-style: chr9-101900286-T-C.
Other names: c.489T>C, p.Arg163= (NM_001130916.3); c.732T>C, p.Arg244= (NM_001306210.2); c.720T>C (NM_004612.2).
Identifiers: ClinVar variation 810398 (VCV000810398.53), dbSNP rs200078591, ClinGen allele CA042783.
Genomic context (GRCh38, chr9:99,138,004, plus strand): 5'-GAGAGGAAAGTGGCGGGGAGAAGAAGTTGCTGTTAAGATATTCTCCTCTAGAGAAGAACG[T>C]TCGTGGTTCCGTGAGGCAGAGATTTATCAAACTGTAATGTTACGTCATGAAAACATCCTG-3'
Protein context (NP_004603.1, residues 230-250): AVKIFSSREE[Arg240=]SWFREAEIYQ

ClinVar aggregate classification (germline): Likely benign. Review status: criteria provided, multiple submitters, no conflicts (2 of 4 stars). 5 submissions from 5 submitters: Likely benign (5). Last evaluated 2025-12-07.

Conditions:
Familial thoracic aortic aneurysm and aortic dissection (TAAD). Also called: Thoracic aortic aneurysms and dissections. Identifiers: Orphanet 91387, MedGen C4707243, MONDO:0019625.
Loeys-Dietz syndrome (LDS). Identifiers: Orphanet 60030, MedGen C2697932, MONDO:0018954.

Allele frequency attached by ClinVar (database versions not stated): ExAC 0.00001; gnomAD exomes 0.00001.
gnomAD v4.1: 8 of 1,614,076 alleles (0.0005%); highest among the groups gnomAD compares: Non-Finnish European, 0.00068%; no homozygotes.

Submissions (5):

Labcorp Genetics (formerly Invitae), Labcorp
Classification: Likely benign for Familial thoracic aortic aneurysm and aortic dissection. Last evaluated: 2025-12-07. Review status: criteria provided, single submitter. Criteria: Invitae Variant Classification Sherloc (09022015). Collection method: clinical testing. Allele origin: germline.

All of Us Research Program, National Institutes of Health
Classification: Likely benign for Loeys-Dietz syndrome. Last evaluated: 2023-12-18. Review status: criteria provided, single submitter. Criteria: ACMG Guidelines, 2015. Collection method: clinical testing. Allele origin: germline. Inheritance: Autosomal dominant inheritance. Observed: 7 variant alleles, 7 heterozygotes.
Comment: This study involves interpretation of variants in research participants for the purpose of population health screening. Participant phenotype was not available at the time of variant classification. Additional details can be found in publication PMID: 35346344, PMCID: PMC8962531

CeGaT Center for Human Genetics Tuebingen
Classification: Likely benign. Last evaluated: 2022-09-01. Review status: criteria provided, single submitter. Criteria: CeGaT Center For Human Genetics Tuebingen Variant Classification Criteria Version 2. Collection method: clinical testing. Allele origin: germline. Affected: yes. Observed: 2 variant alleles.
Comment: TGFBR1: BP4, BP7

Color Diagnostics, LLC DBA Color Health
Classification: Likely benign for Familial thoracic aortic aneurysm and aortic dissection. Last evaluated: 2018-11-09. Review status: criteria provided, single submitter. Criteria: ACMG Guidelines, 2015. Collection method: clinical testing. Allele origin: germline.

Ambry Genetics
Classification: Likely benign for Familial thoracic aortic aneurysm and aortic dissection. Last evaluated: 2018-11-05. Review status: criteria provided, single submitter. Criteria: Ambry Variant Classification Scheme 2023. Collection method: clinical testing. Allele origin: germline.